The following is an entry in ClinVar:

NM_001042424.3(NSD2):c.1519G>A (p.Ala507Thr)

Gene: NSD2 (nuclear receptor binding SET domain protein 2; plus strand). Cytogenetic location: 4p16.3.
Variant type: single nucleotide variant.
Coding change: c.1519G>A on transcript NM_001042424.3 (MANE Select); coding-DNA position 1519, G replaced by A.
Protein change: p.Ala507Thr; replaces alanine 507 with threonine.
Molecular consequence: missense variant.
Genome position (GRCh38, 1-based): chr4:1,930,734, G>A. VCF-style: chr4-1930734-G-A. GRCh37 (hg19) VCF-style: chr4-1932461-G-A.
Other names: c.1519G>A, p.Ala507Thr (NM_001440892.1, NM_001440894.1, NM_001440895.1 and 8 more transcripts); c.1618G>A, p.Ala540Thr (NM_001440893.1); c.550G>A, p.Ala184Thr (NM_001440899.1, NM_001440900.1); short protein forms A507T, A540T, A184T.
Identifiers: ClinVar variation 5001652 (VCV005001652.1).

ClinVar aggregate classification (germline): Uncertain significance (1 of 4 stars; one submission).

Conditions:
NSD2-related disorder. Also called: NSD2-related condition; NSD2 related disorders.

Submission:

PreventionGenetics, part of Exact Sciences
Classification: Uncertain significance for NSD2-related condition. Last evaluated: 2025-03-21. Review status: criteria provided, single submitter. Criteria: ACMG Guidelines, 2015. Collection method: clinical testing. Allele origin: germline.
Comment: The NSD2 c.1519G>A variant is predicted to result in the amino acid substitution p.Ala507Thr. To our knowledge, this variant has not been reported in the literature or in a large population database (gnomAD), indicating this variant is rare. At this time, the clinical significance of this variant is uncertain due to the absence of conclusive functional and genetic evidence.